The following is an entry in ClinVar:

ClinVar aggregate classification (germline): Conflicting classifications of pathogenicity. Review status: criteria provided, conflicting classifications (1 of 4 stars). 4 submissions from 4 submitters: Likely pathogenic (1); Uncertain significance (3). Last evaluated 2026-10-15.

Conditions:
Cardiovascular phenotype. Identifiers: MedGen CN230736.
RASopathy. Also called: rasopathies; Noonan spectrum disorder. Identifiers: Orphanet 536391, MedGen C5555857, MONDO:0021060.
Noonan syndrome 5 (NS5). Also called: RAF1-Related Noonan Syndrome. Identifiers: Orphanet 648, MedGen C1969057, MONDO:0012690, OMIM 611553. Disease mechanism: gain of function.

Submissions (4):

GeneDx
Classification: Likely pathogenic. Last evaluated: 2026-10-15. Review status: criteria provided, single submitter. Criteria: GeneDx Variant Classification Process June 2021. Collection method: clinical testing. Allele origin: germline.
Comment: Not observed at significant frequency in large population cohorts (gnomAD); Missense variants in this gene are a common cause of disease and they are underrepresented in the general population; In silico analysis supports that this missense variant has a deleterious effect on protein structure/function; Has not been previously published as pathogenic or benign to our knowledge; This variant is associated with the following publications: (PMID: 29493581)

Labcorp Genetics (formerly Invitae), Labcorp
Classification: Uncertain significance for RASopathy. Last evaluated: 2025-07-02. Review status: criteria provided, single submitter. Criteria: Invitae Variant Classification Sherloc (09022015). Collection method: clinical testing. Allele origin: germline.
Comment: This sequence change replaces asparagine, which is neutral and polar, with isoleucine, which is neutral and non-polar, at codon 617 of the RAF1 protein (p.Asn617Ile). This variant is not present in population databases (gnomAD no frequency). This variant has not been reported in the literature in individuals affected with RAF1-related conditions. ClinVar contains an entry for this variant (Variation ID: 1781313). Invitae Evidence Modeling incorporating data from in vitro experimental studies (internal data) indicates that this missense variant is not expected to disrupt RAF1 function with a negative predictive value of 80%. In summary, the available evidence is currently insufficient to determine the role of this variant in disease. Therefore, it has been classified as a Variant of Uncertain Significance.

Ambry Genetics
Classification: Uncertain significance for Cardiovascular phenotype. Last evaluated: 2024-12-03. Review status: criteria provided, single submitter. Criteria: Ambry Variant Classification Scheme 2023. Collection method: clinical testing. Allele origin: germline.
Comment: The p.N617I variant (also known as c.1850A>T), located in coding exon 16 of the RAF1 gene, results from an A to T substitution at nucleotide position 1850. The asparagine at codon 617 is replaced by isoleucine, an amino acid with dissimilar properties. This amino acid position is conserved. In addition, the in silico prediction for this alteration is inconclusive. Since supporting evidence is limited at this time, the clinical significance of this alteration remains unclear.

Illumina Laboratory Services, Illumina
Classification: Uncertain significance for Noonan syndrome 5. Last evaluated: 2019-07-26. Review status: criteria provided, single submitter. Criteria: ICSLVariantClassificationCriteria RUGD 01 April 2020. Collection method: clinical testing. Allele origin: unknown.
Comment: The RAF1 c.1850A>T p.(Asn617Ile) missense variant, to our knowledge, has not been reported in the peer-reviewed literature. This variant is not observed in version 2.1.1 or version 4.0.0 of the Genome Aggregation Database. Based on the limited evidence, the c.1850A>T p.(Asn617Ile) variant is classified as a variant of uncertain significance for Noonan syndrome.

NM_002880.4(RAF1):c.1850A>T (p.Asn617Ile)

Gene: RAF1 (Raf-1 proto-oncogene, serine/threonine kinase; minus strand). Cytogenetic location: 3p25.2.
Variant type: single nucleotide variant.
Coding change: c.1850A>T on transcript NM_002880.4 (MANE Select); coding-DNA position 1850, A replaced by T.
Protein change: p.Asn617Ile; replaces asparagine 617 with isoleucine.
Molecular consequence: missense variant. On other transcripts: non-coding transcript variant (3).
Genome position (GRCh38, 1-based): chr3:12,584,611, T>A on the plus strand (A>T on the coding strand, the complement: RAF1 is on the minus strand). VCF-style: chr3-12584611-T-A. GRCh37 (hg19) VCF-style: chr3-12626110-T-A.
Other names: c.1910A>T, p.Asn637Ile (NM_001354689.3); c.1850A>T, p.Asn617Ile (NM_001354690.3); c.1607A>T, p.Asn536Ile (NM_001354691.3, NM_001354692.3); c.1751A>T, p.Asn584Ile (NM_001354693.3); c.1667A>T, p.Asn556Ile (NM_001354694.3); c.1508A>T, p.Asn503Ile (NM_001354695.3); short protein forms N536I, N556I, N637I, N503I, N617I, N584I.
Identifiers: ClinVar variation 1781313 (VCV001781313.7), dbSNP rs933142627, ClinGen allele CA351495991.